The following is an entry in ClinVar:

ClinVar aggregate classification (germline): Uncertain significance. Review status: criteria provided, multiple submitters, no conflicts (2 of 4 stars). 2 submissions from 2 submitters: Uncertain significance (2). Last evaluated 2025-01-31.

Conditions:
Inborn genetic diseases. Identifiers: MedGen C0950123, MeSH D030342.
MHC class II deficiency. Also called: BLS, TYPE II; Bare lymphocyte syndrome 2. Identifiers: Orphanet 572, MedGen C5447452, MONDO:0008855.

Allele frequency attached by ClinVar (database versions not stated): gnomAD exomes below 0.00001; ExAC 0.00001; gnomAD 0.00001.
gnomAD v4.1: 3 of 1,613,568 alleles (0.00019%); highest among the groups gnomAD compares: East Asian, 0.0045%; no homozygotes.

Submissions (2):

Ambry Genetics
Classification: Uncertain significance for Inborn genetic diseases. Last evaluated: 2025-01-31. Review status: criteria provided, single submitter. Criteria: Ambry Variant Classification Scheme 2023. Collection method: clinical testing. Allele origin: germline.

Labcorp Genetics (formerly Invitae), Labcorp
Classification: Uncertain significance for MHC class II deficiency. Last evaluated: 2021-09-17. Review status: criteria provided, single submitter. Criteria: Invitae Variant Classification Sherloc (09022015). Collection method: clinical testing. Allele origin: germline.
Comment: This sequence change replaces leucine with phenylalanine at codon 605 of the CIITA protein (p.Leu605Phe). The leucine residue is moderately conserved and there is a small physicochemical difference between leucine and phenylalanine. This variant is present in population databases (rs751338865, ExAC 0.01%). This variant has not been reported in the literature in individuals affected with CIITA-related conditions. Algorithms developed to predict the effect of missense changes on protein structure and function (SIFT, PolyPhen-2, Align-GVGD) all suggest that this variant is likely to be tolerated. In summary, the available evidence is currently insufficient to determine the role of this variant in disease. Therefore, it has been classified as a Variant of Uncertain Significance.

NM_000246.4(CIITA):c.1813C>T (p.Leu605Phe)

Gene: CIITA (class II major histocompatibility complex transactivator; plus strand). Cytogenetic location: 16p13.13.
Variant type: single nucleotide variant.
Coding change: c.1813C>T on transcript NM_000246.4 (MANE Select); coding-DNA position 1813, C replaced by T.
Protein change: p.Leu605Phe; replaces leucine 605 with phenylalanine.
Molecular consequence: missense variant. On other transcripts: intron variant (1).
Genome position (GRCh38, 1-based): chr16:10,907,305, C>T. VCF-style: chr16-10907305-C-T. GRCh37 (hg19) VCF-style: chr16-11001162-C-T.
Other names: c.1816C>T, p.Leu606Phe (NM_001286402.1, NM_001379332.1); c.1669C>T, p.Leu557Phe (NM_001379330.1); c.1666C>T, p.Leu556Phe (NM_001379331.1); c.1813C>T, p.Leu605Phe (NM_001379333.1); c.1744C>T, p.Leu582Phe (NM_001379334.1); c.860-1678C>T (NM_001286403.2); c.1813C>T (NM_000246.3); short protein forms L606F, L557F, L582F, L605F, L556F.
Identifiers: ClinVar variation 1407773 (VCV001407773.6), dbSNP rs751338865, ClinGen allele CA7900227.